The following is an entry in ClinVar:

ClinVar aggregate classification (germline): Benign/Likely benign. Review status: criteria provided, multiple submitters, no conflicts (2 of 4 stars). 3 submissions from 3 submitters: Benign (1); Likely benign (2). Last evaluated 2025-03-03.

Conditions:
Pheochromocytoma/paraganglioma syndrome 5. Also called: Paragangliomas 5; SDHA-Related Hereditary Paraganglioma-Pheochromocytoma Syndrome. Identifiers: Orphanet 29072, MedGen C3279992, MONDO:0013602, OMIM 614165.
Mitochondrial complex II deficiency, nuclear type 1. Also called: SUCCINATE CoQ REDUCTASE DEFICIENCY. Identifiers: Orphanet 3208, MedGen C5700310, MONDO:0100294, OMIM 252011.
Hereditary cancer-predisposing syndrome. Also called: Tumor predisposition; Neoplastic Syndromes, Hereditary; Hereditary Cancer Syndrome; Hereditary neoplastic syndrome. Identifiers: Orphanet 140162, MedGen C0027672, MeSH D009386, MONDO:0015356.

Submissions (3):

Myriad Genetics, Inc.
Classification: Benign for Pheochromocytoma/paraganglioma syndrome 5. Last evaluated: 2025-03-03. Review status: criteria provided, single submitter. Criteria: Myriad Autosomal Dominant, Autosomal Recessive and X-Linked Classification Criteria (2023). Collection method: clinical testing. Allele origin: unknown.
Comment: This variant is considered benign. This variant is a silent/synonymous amino acid change and it is not expected to impact splicing.

Ambry Genetics
Classification: Likely benign for Hereditary cancer-predisposing syndrome. Last evaluated: 2020-12-11. Review status: criteria provided, single submitter. Criteria: Ambry Variant Classification Scheme 2023. Collection method: clinical testing. Allele origin: germline.

Labcorp Genetics (formerly Invitae), Labcorp
Classification: Likely benign for Pheochromocytoma/paraganglioma syndrome 5; Mitochondrial complex II deficiency, nuclear type 1. Last evaluated: 2019-05-24. Review status: criteria provided, single submitter. Criteria: Invitae Variant Classification Sherloc (09022015). Collection method: clinical testing. Allele origin: germline.

NM_004168.4(SDHA):c.673C>T (p.Leu225=)

Gene: SDHA (succinate dehydrogenase complex flavoprotein subunit A; plus strand). Cytogenetic location: 5p15.33.
Variant type: single nucleotide variant.
Coding change: c.673C>T on transcript NM_004168.4 (MANE Select); coding-DNA position 673, C replaced by T.
Protein change: p.Leu225=; no amino-acid change (leucine 225 retained).
Molecular consequence: synonymous variant.
Genome position (GRCh38, 1-based): chr5:228,236, C>T. VCF-style: chr5-228236-C-T. GRCh37 (hg19) VCF-style: chr5-228351-C-T.
Other names: c.529C>T, p.Leu177= (NM_001294332.2); c.673C>T, p.Leu225= (NM_001330758.2).
Identifiers: ClinVar variation 748167 (VCV000748167.14), dbSNP rs1579391116, ClinGen allele CA442691317.